The following is an entry in ClinVar:

NM_004260.4(RECQL4):c.2776T>A (p.Tyr926Asn)

Gene: RECQL4 (RecQ like helicase 4; minus strand). Cytogenetic location: 8q24.3.
Variant type: single nucleotide variant.
Coding change: c.2776T>A on transcript NM_004260.4 (MANE Select); coding-DNA position 2776, T replaced by A.
Protein change: p.Tyr926Asn; replaces tyrosine 926 with asparagine.
Molecular consequence: missense variant.
Genome position (GRCh38, 1-based): chr8:144,512,751, A>T on the plus strand (T>A on the coding strand, the complement: RECQL4 is on the minus strand). VCF-style: chr8-144512751-A-T. GRCh37 (hg19) VCF-style: chr8-145738134-A-T.
Other names: c.2482T>A, p.Tyr828Asn (NM_001413017.1); c.2578T>A, p.Tyr860Asn (NM_001413018.1); c.2851T>A, p.Tyr951Asn (NM_001413019.1); c.2680T>A, p.Tyr894Asn (NM_001413020.1); c.1705T>A, p.Tyr569Asn (NM_001413021.1, NM_001413022.1, NM_001413024.1 and 4 more transcripts); c.1780T>A, p.Tyr594Asn (NM_001413023.1); c.2647T>A, p.Tyr883Asn (NM_001413025.1); c.1639T>A, p.Tyr547Asn (NM_001413027.1, NM_001413030.1, NM_001413032.1); and 9 more; short protein forms Y437N, Y503N, Y525N, Y547N, Y559N, Y569N, Y572N, Y594N.
Identifiers: ClinVar variation 1715677 (VCV001715677.5), dbSNP rs1060501365, ClinGen allele CA372674514.

ClinVar aggregate classification (germline): Uncertain significance (1 of 4 stars; one submission).

Conditions:
Baller-Gerold syndrome (BGS). Also called: CRANIOSYNOSTOSIS WITH RADIAL DEFECTS. Identifiers: Orphanet 1225, MedGen C0265308, MONDO:0009039, OMIM 218600.

Submission:

Labcorp Genetics (formerly Invitae), Labcorp
Classification: Uncertain significance for Baller-Gerold syndrome. Last evaluated: 2022-08-08. Review status: criteria provided, single submitter. Criteria: Invitae Variant Classification Sherloc (09022015). Collection method: clinical testing. Allele origin: germline.
Comment: This sequence change replaces tyrosine, which is neutral and polar, with asparagine, which is neutral and polar, at codon 926 of the RECQL4 protein (p.Tyr926Asn). In summary, the available evidence is currently insufficient to determine the role of this variant in disease. Therefore, it has been classified as a Variant of Uncertain Significance. Experimental studies and prediction algorithms are not available or were not evaluated, and the functional significance of this variant is currently unknown. This variant has not been reported in the literature in individuals affected with RECQL4-related conditions. This variant is not present in population databases (gnomAD no frequency).